The following is an entry in ClinVar:

ClinVar aggregate classification (germline): Pathogenic (1 of 4 stars; one submission).

Conditions:
Baller-Gerold syndrome (BGS). Also called: CRANIOSYNOSTOSIS WITH RADIAL DEFECTS. Identifiers: Orphanet 1225, MedGen C0265308, MONDO:0009039, OMIM 218600.

Submission:

Labcorp Genetics (formerly Invitae), Labcorp
Classification: Pathogenic for Baller-Gerold syndrome. Last evaluated: 2024-06-30. Review status: criteria provided, single submitter. Criteria: Invitae Variant Classification Sherloc (09022015). Collection method: clinical testing. Allele origin: germline.
Comment: This sequence change creates a premature translational stop signal (p.Gln955*) in the RECQL4 gene. It is expected to result in an absent or disrupted protein product. Loss-of-function variants in RECQL4 are known to be pathogenic (PMID: 12734318, 12952869). This variant is not present in population databases (gnomAD no frequency). This variant has not been reported in the literature in individuals affected with RECQL4-related conditions. For these reasons, this variant has been classified as Pathogenic.

Literature cited by the submitters: PubMed 12734318; PubMed 12952869.

NM_004260.4(RECQL4):c.2863C>T (p.Gln955Ter)

Gene: RECQL4 (RecQ like helicase 4; minus strand). Cytogenetic location: 8q24.3.
Variant type: single nucleotide variant.
Coding change: c.2863C>T on transcript NM_004260.4 (MANE Select); coding-DNA position 2863, C replaced by T.
Protein change: p.Gln955Ter; replaces glutamine 955 with a stop codon.
Molecular consequence: nonsense. On other transcripts: non-coding transcript variant (3).
Genome position (GRCh38, 1-based): chr8:144,512,664, G>A on the plus strand (C>T on the coding strand, the complement: RECQL4 is on the minus strand). VCF-style: chr8-144512664-G-A. GRCh37 (hg19) VCF-style: chr8-145738047-G-A.
Other names: c.2569C>T, p.Gln857Ter (NM_001413017.1); c.2665C>T, p.Gln889Ter (NM_001413018.1); c.2938C>T, p.Gln980Ter (NM_001413019.1); c.2767C>T, p.Gln923Ter (NM_001413020.1); c.1792C>T, p.Gln598Ter (NM_001413021.1, NM_001413022.1, NM_001413024.1 and 4 more transcripts); c.1867C>T, p.Gln623Ter (NM_001413023.1); c.2734C>T, p.Gln912Ter (NM_001413025.1); c.1726C>T, p.Gln576Ter (NM_001413027.1, NM_001413030.1, NM_001413032.1); and 9 more; short protein forms Q532*, Q554*, Q889*, Q912*, Q466*, Q923*, Q980*, Q588*.
Identifiers: ClinVar variation 2725593 (VCV002725593.3), dbSNP rs2537990692, ClinGen allele CA372673946.